The following is an entry in ClinVar:

NM_001854.4(COL11A1):c.473A>G (p.Asn158Ser)

Gene: COL11A1 (collagen type XI alpha 1 chain; minus strand). Cytogenetic location: 1p21.1.
Variant type: single nucleotide variant.
Coding change: c.473A>G on transcript NM_001854.4 (MANE Select); coding-DNA position 473, A replaced by G.
Protein change: p.Asn158Ser; replaces asparagine 158 with serine.
Molecular consequence: missense variant. On other transcripts: non-coding transcript variant (1).
Genome position (GRCh38, 1-based): chr1:103,078,673, T>C on the plus strand (A>G on the coding strand, the complement: COL11A1 is on the minus strand). VCF-style: chr1-103078673-T-C. GRCh37 (hg19) VCF-style: chr1-103544229-T-C.
Other names: c.473A>G, p.Asn158Ser (NM_001190709.2, NM_080629.3, NM_080630.4); short protein forms N158S.
Identifiers: ClinVar variation 3897206 (VCV003897206.1).
Genomic context (GRCh38, chr1:103,078,673, plus strand): 5'-AATGATTTTGGCATAGCTAAAACATTGTATTATTTTGTTACTTACTTCCCGTCAGCGATG[T>C]TAACAGTTCTGAAGAGGGGATAGTCTTCTGGGGCAGGTTTTCCAGTGTGGTCTTCAAACA-3'
Protein context (NP_001845.3, residues 148-168): PEDYPLFRTV[Asn158Ser]IADGKWHRVA

ClinVar aggregate classification (germline): Uncertain significance (1 of 4 stars; one submission).

gnomAD v4.1: 3 of 1,613,302 alleles (0.00019%); highest among the groups gnomAD compares: Non-Finnish European, 0.00017%; no homozygotes.

Submission:

GeneDx
Classification: Uncertain significance. Last evaluated: 2024-10-29. Review status: criteria provided, single submitter. Criteria: GeneDx Variant Classification Process June 2021. Collection method: clinical testing. Allele origin: germline. Affected: yes.
Comment: Not observed at significant frequency in large population cohorts (gnomAD); In silico analysis supports that this missense variant has a deleterious effect on protein structure/function; Has not been previously published as pathogenic or benign to our knowledge; Not located in the triple helical region, where the majority of pathogenic missense variants occur (HGMD; PMID: 25240749); This variant is associated with the following publications: (PMID: 25240749)